The following is an entry in ClinVar:

ClinVar aggregate classification (germline): Benign/Likely benign. Review status: criteria provided, multiple submitters, no conflicts (2 of 4 stars). 5 submissions from 5 submitters: Benign (1); Likely benign (4). Last evaluated 2025-11-24.

Conditions:
Hereditary cancer-predisposing syndrome. Also called: Hereditary Cancer Syndrome; Hereditary neoplastic syndrome; Neoplastic Syndromes, Hereditary; Tumor predisposition. Identifiers: Orphanet 140162, MedGen C0027672, MeSH D009386, MONDO:0015356.
Familial cancer of breast. Also called: hereditary breast carcinoma; Hereditary breast cancer; BREAST CANCER, FAMILIAL. Identifiers: Orphanet 227535, MedGen C0346153, MONDO:0016419, OMIM 114480. Disease mechanism: loss of function.

Allele frequency attached by ClinVar (database versions not stated): gnomAD exomes below 0.00001.
gnomAD v4.1: 4 of 1,613,800 alleles (0.00025%); highest among the groups gnomAD compares: Non-Finnish European, 0.00025%; no homozygotes.

Submissions (5):

Labcorp Genetics (formerly Invitae), Labcorp
Classification: Likely benign for Familial cancer of breast. Last evaluated: 2025-11-24. Review status: criteria provided, single submitter. Criteria: Invitae Variant Classification Sherloc (09022015). Collection method: clinical testing. Allele origin: germline.

Myriad Genetics, Inc.
Classification: Benign for Familial cancer of breast. Last evaluated: 2024-07-23. Review status: criteria provided, single submitter. Criteria: Myriad Autosomal Dominant, Autosomal Recessive and X-Linked Classification Criteria (2023). Collection method: clinical testing. Allele origin: unknown.
Comment: This variant is considered benign. This variant is a silent/synonymous amino acid change and it is not expected to impact splicing.

Women's Health and Genetics/Laboratory Corporation of America, LabCorp
Classification: Likely benign. Last evaluated: 2019-08-08. Review status: criteria provided, single submitter. Criteria: LabCorp Variant Classification Summary - May 2015. Collection method: clinical testing. Allele origin: germline.

Ambry Genetics
Classification: Likely benign for Hereditary cancer-predisposing syndrome. Last evaluated: 2019-03-20. Review status: criteria provided, single submitter. Criteria: Ambry Variant Classification Scheme 2023. Collection method: clinical testing. Allele origin: germline.

GeneDx
Classification: Likely benign. Last evaluated: 2016-01-21. Review status: criteria provided, single submitter. Criteria: GeneDx Variant Classification (06012015). Collection method: clinical testing. Allele origin: germline. Affected: yes.
Comment: This variant is considered likely benign or benign based on one or more of the following criteria: it is a conservative change, it occurs at a poorly conserved position in the protein, it is predicted to be benign by multiple in silico algorithms, and/or has population frequency not consistent with disease.

NM_000465.4(BARD1):c.924T>G (p.Leu308=)

Gene: BARD1 (BRCA1 associated RING domain 1; minus strand). Cytogenetic location: 2q35.
Variant type: single nucleotide variant.
Coding change: c.924T>G on transcript NM_000465.4 (MANE Select); coding-DNA position 924, T replaced by G.
Protein change: p.Leu308=; no amino-acid change (leucine 308 retained).
Molecular consequence: synonymous variant. On other transcripts: non-coding transcript variant (2), intron variant (3).
Genome position (GRCh38, 1-based): chr2:214,780,950, A>C on the plus strand (T>G on the coding strand, the complement: BARD1 is on the minus strand). VCF-style: chr2-214780950-A-C. GRCh37 (hg19) VCF-style: chr2-215645674-A-C.
Other names: c.867T>G, p.Leu289= (NM_001282543.2); c.159-28395T>G (NM_001282548.2); c.215+16111T>G (NM_001282545.2); c.364+11347T>G (NM_001282549.2).
Identifiers: ClinVar variation 383266 (VCV000383266.16), dbSNP rs758559877, ClinGen allele CA16604103.
Genomic context (GRCh38, chr2:214,780,950, plus strand): 5'-AAGTCTATTGTGATGGCCACGTTTTCCATTATTTTCTAATGGCAAAGATTTCTTAGATGT[A>C]AGATAATTTTTGCAGACCTTCTCAGGAGTCACTACTTCATTCCTGCTCTTAGTGTCTGGA-3'
Protein context (NP_000456.2, residues 298-318): VTPEKVCKNY[Leu308=]TSKKSLPLEN